The following is an entry in ClinVar:

NM_022773.4(LMF1):c.1391G>A (p.Trp464Ter)

Gene: LMF1 (lipase maturation factor 1; minus strand). Cytogenetic location: 16p13.3.
Variant type: single nucleotide variant.
Coding change: c.1391G>A on transcript NM_022773.4 (MANE Select); coding-DNA position 1391, G replaced by A.
Protein change: p.Trp464Ter; replaces tryptophan 464 with a stop codon.
Molecular consequence: nonsense. On other transcripts: non-coding transcript variant (1), intron variant (1).
Genome position (GRCh38, 1-based): chr16:869,908, C>T on the plus strand (G>A on the coding strand, the complement: LMF1 is on the minus strand). VCF-style: chr16-869908-C-T. GRCh37 (hg19) VCF-style: chr16-919908-C-T.
Other names: c.740G>A, p.Trp247Ter (NM_001352017.2, NM_001352021.2); c.992G>A, p.Trp331Ter (NM_001352018.2); c.1064G>A, p.Trp355Ter (NM_001352019.2); c.1336+55G>A (NM_001352020.1); short protein forms W464*, W247*, W331*, W355*.
Identifiers: ClinVar variation 143993 (VCV000143993.14), dbSNP rs587777626, ClinGen allele CA170562.

ClinVar aggregate classification (germline): Pathogenic. Review status: criteria provided, multiple submitters, no conflicts (2 of 4 stars). 10 submissions from 10 submitters: Pathogenic (8). 2 of the submissions do not count toward it. Last evaluated 2025-03-20.

Conditions:
LMF1-related disorder. Also called: LMF1-related condition.
Cardiovascular phenotype. Identifiers: MedGen CN230736.
Lipase deficiency, combined. Also called: LIPOPROTEIN LIPASE DEFICIENCY WITH HEPATIC TRIGLYCERIDE LIPASE DEFICIENCY; LPL AND HL DEFICIENCY; LPL AND HTGL DEFICIENCY. Identifiers: Orphanet 535453, MedGen C1855498, MONDO:0009527, OMIM 246650.

Allele frequency attached by ClinVar (database versions not stated): gnomAD exomes below 0.00001 and 0.00001; gnomAD 0.00001; TOPMed 0.00002.

Submissions (10):

First Genomix Gene Laboratory, Genetic Diagnostics Department
Classification: Pathogenic for Lipase deficiency, combined. Last evaluated: 2025-03-20. Review status: criteria provided, single submitter. Criteria: ACMG Guidelines, 2015. Collection method: clinical testing. Allele origin: germline. Inheritance: Autosomal recessive inheritance. Affected: no. Observed: 1 variant allele.

Ambry Genetics
Classification: Pathogenic for Cardiovascular phenotype. Last evaluated: 2024-11-05. Review status: criteria provided, single submitter. Criteria: Ambry Variant Classification Scheme 2023. Collection method: clinical testing. Allele origin: germline.
Comment: The c.1391G>A (p.W464*) alteration, located in exon 9 (coding exon 9) of the LMF1 gene, consists of a G to A substitution at nucleotide position 1391. This changes the amino acid from a tryptophan (W) to a stop codon at amino acid position 464. This alteration is expected to result in loss of function by premature protein truncation or nonsense-mediated mRNA decay. Based on data from gnomAD, the A allele has an overall frequency of <0.001% (1/246870) total alleles studied. The highest observed frequency was 0.005% (1/21230) of Finnish alleles. This variant has been identified in the homozygous state in one individual with severe hypertriglyceridemia noted with an episode of acute pancreatitis (Cefal&ugrave;, 2009). Based on the available evidence, this alteration is classified as pathogenic.

Labcorp Genetics (formerly Invitae), Labcorp
Classification: Pathogenic. Last evaluated: 2024-08-29. Review status: criteria provided, single submitter. Criteria: Invitae Variant Classification Sherloc (09022015). Collection method: clinical testing. Allele origin: germline.
Comment: This sequence change creates a premature translational stop signal (p.Trp464*) in the LMF1 gene. It is expected to result in an absent or disrupted protein product. Loss-of-function variants in LMF1 are known to be pathogenic (PMID: 17994020, 19820022, 22239554). This variant is present in population databases (no rsID available, gnomAD 0.005%). This premature translational stop signal has been observed in individual(s) with clinical features of chylomicronemia (PMID: 19820022, 30037590). ClinVar contains an entry for this variant (Variation ID: 143993). Algorithms developed to predict the effect of variants on gene product structure and function are not available or were not evaluated for this variant. Experimental studies have shown that this premature translational stop signal affects LMF1 function (PMID: 30037590). For these reasons, this variant has been classified as Pathogenic.

Genomic Medicine Center of Excellence, King Faisal Specialist Hospital and Research Centre
Classification: Pathogenic for Lipase deficiency, combined. Last evaluated: 2024-03-29. Review status: criteria provided, single submitter. Criteria: ACMG Guidelines, 2015. Collection method: clinical testing. Allele origin: germline.

Blueprint Genetics
Classification: Pathogenic for LMF1-related disorders. Last evaluated: 2022-12-23. Review status: criteria provided, single submitter. Criteria: ACMG Guidelines, 2015. Collection method: clinical testing. Allele origin: germline. Affected: yes. Observed: 2 variant alleles.

Mendelics
Classification: Pathogenic for Lipase deficiency, combined. Last evaluated: 2022-05-04. Review status: criteria provided, single submitter. Criteria: Mendelics Assertion Criteria 2019. Collection method: clinical testing. Allele origin: germline.

Baylor Genetics
Classification: Pathogenic for Lipase deficiency, combined. Last evaluated: 2020-01-17. Review status: criteria provided, single submitter. Criteria: ACMG Guidelines, 2015. Collection method: clinical testing. Allele origin: unknown. Affected: yes.
Comment: This variant was determined to be pathogenic according to ACMG Guidelines, 2015 [PMID:25741868].

Revvity Omics, Revvity
Classification: Pathogenic for Lipase deficiency, combined. Last evaluated: 2019-06-06. Review status: criteria provided, single submitter. Criteria: ACMG Guidelines, 2015. Collection method: clinical testing. Allele origin: germline.

Biochemical Molecular Genetic Laboratory, King Abdulaziz Medical City
Classification: Pathogenic for Lipase deficiency, combined. Last evaluated: 2020-09-10. Review status: no assertion criteria provided. Collection method: clinical testing. Allele origin: germline. Affected: yes. Not counted in ClinVar's aggregate classification.

OMIM
Classification: Pathogenic for LIPASE DEFICIENCY, COMBINED. Last evaluated: 2009-11-01. Review status: no assertion criteria provided. Collection method: literature only. Allele origin: germline. Not counted in ClinVar's aggregate classification.

Literature cited by the submitters: PubMed 19820022 (cited by 3 submitters); PubMed 17994020 (cited by Labcorp Genetics (formerly Invitae), Labcorp); PubMed 22239554 (cited by Labcorp Genetics (formerly Invitae), Labcorp); PubMed 30037590 (cited by Labcorp Genetics (formerly Invitae), Labcorp); Hamosh, A. Personal Communication. 2014. Baltimore, Md. (cited by OMIM).